The following is an entry in ClinVar:

ClinVar aggregate classification (germline): Benign. Review status: criteria provided, multiple submitters, no conflicts (2 of 4 stars). 14 submissions from 13 submitters: Benign (11). 3 of the submissions do not count toward it. Last evaluated 2026-02-04.

Conditions:
Myopathy, myofibrillar, 12, infantile-onset, with cardiomyopathy. Identifiers: MedGen C5561937, MONDO:0859168, OMIM 619424.
Hypertrophic cardiomyopathy 10. Also called: CARDIOMYOPATHY, HYPERTROPHIC, MID-LEFT VENTRICULAR CHAMBER TYPE, 2; MYL2-Related Familial Hypertrophic Cardiomyopathy. Identifiers: MedGen C1834460, MONDO:0012112, OMIM 608758.
Congestive heart failure. Identifiers: MedGen C0018802, MONDO:0005009, HP:0001635.

Submissions (14):

Labcorp Genetics (formerly Invitae), Labcorp
Classification: Benign for Hypertrophic cardiomyopathy 10. Last evaluated: 2026-02-04. Review status: criteria provided, single submitter. Criteria: Invitae Variant Classification Sherloc (09022015). Collection method: clinical testing. Allele origin: germline.

Blueprint Genetics
Classification: Benign. Last evaluated: 2024-11-27. Review status: criteria provided, single submitter. Criteria: ACMG Guidelines, 2015. Collection method: clinical testing. Allele origin: germline.

Cohesion Phenomics
Classification: Benign for Congestive Heart Failure. Last evaluated: 2022-10-10. Review status: criteria provided, single submitter. Criteria: ACMG Guidelines, 2015. Collection method: clinical testing. Allele origin: germline. Affected: yes.

Genome-Nilou Lab
Classification: Benign for Hypertrophic cardiomyopathy 10. Last evaluated: 2021-09-05. Review status: criteria provided, single submitter. Criteria: ACMG Guidelines, 2015. Collection method: clinical testing. Allele origin: germline. Affected: no.

Genome-Nilou Lab
Classification: Benign for Myopathy, myofibrillar, 12, infantile-onset, with cardiomyopathy. Last evaluated: 2021-09-05. Review status: criteria provided, single submitter. Criteria: ACMG Guidelines, 2015. Collection method: clinical testing. Allele origin: germline. Affected: no.

GeneDx
Classification: Benign. Last evaluated: 2018-06-11. Review status: criteria provided, single submitter. Criteria: GeneDx Variant Classification Process June 2021. Collection method: clinical testing. Allele origin: germline. Affected: yes.

Clinical Genetics DNA and cytogenetics Diagnostics Lab, Erasmus MC, Erasmus Medical Center
Classification: Benign for Hypertrophic cardiomyopathy 10. Last evaluated: 2015-09-21. Review status: criteria provided, single submitter. Criteria: ACGS Guidelines, 2013. Collection method: clinical testing. Allele origin: germline. Affected: yes. Study: VKGL Data-share Consensus.

Mayo Clinic Laboratories, Mayo Clinic
Classification: Benign. Last evaluated: 2015-03-19. Review status: criteria provided, single submitter. Criteria: ACMG Guidelines, 2015. Collection method: clinical testing. Allele origin: germline. Observed: 276 variant alleles.

Laboratory for Molecular Medicine, Mass General Brigham Personalized Medicine
Classification: Benign. Last evaluated: 2015-02-25. Review status: criteria provided, single submitter. Criteria: LMM Criteria. Collection method: clinical testing. Allele origin: germline. Observed: 1 variant allele.
Comment: c.353+20delG in intron 5 of MYL2: This variant is not expected to have clinical significance because it has been identified in 29% (35041/121330) of chromosomes from multiple diverse populations by the Exome Aggregation Consortium (ExAC; dbSNP rs3833910).

Genome Diagnostics Laboratory, University Medical Center Utrecht
Classification: Benign for Hypertrophic cardiomyopathy 10. Last evaluated: 2014-10-09. Review status: criteria provided, single submitter. Criteria: ACGS Guidelines, 2013. Collection method: clinical testing. Allele origin: germline. Affected: yes. Study: VKGL Data-share Consensus.

PreventionGenetics, part of Exact Sciences
Classification: Benign. Review status: criteria provided, single submitter. Criteria: ACMG Guidelines, 2015. Collection method: clinical testing. Allele origin: germline.

Leiden Muscular Dystrophy (MYL2)
No classification provided. Last evaluated: 2012-03-26. Review status: no classification provided. Collection method: curation. Allele origin: germline. Not counted in ClinVar's aggregate classification.

Diagnostic Laboratory, Department of Genetics, University Medical Center Groningen
Classification: Benign for Hypertrophic cardiomyopathy 10. Review status: no assertion criteria provided. Collection method: clinical testing. Allele origin: germline. Affected: yes. Study: VKGL Data-share Consensus. Not counted in ClinVar's aggregate classification.

Joint Genome Diagnostic Labs from Nijmegen and Maastricht, Radboudumc and MUMC+
Classification: Benign. Review status: no assertion criteria provided. Collection method: clinical testing. Allele origin: germline. Affected: yes. Study: VKGL Data-share Consensus. Not counted in ClinVar's aggregate classification.

NM_000432.4(MYL2):c.353+20del

Gene: MYL2 (myosin light chain 2; minus strand). Cytogenetic location: 12q24.11.
Variant type: Deletion.
Coding change: c.353+20del on transcript NM_000432.4 (MANE Select); 20 bases into the intron after coding-DNA position 353, one base deleted (G; older notation c.353+20delG).
Molecular consequence: intron variant.
Genome position (GRCh38, 1-based): chr12:110,913,226, C deleted on the plus strand (G on the coding strand, the reverse complement: MYL2 is on the minus strand); the first of 5 consecutive C bases (chr12:110,913,226-110,913,230); deleting any one gives the same sequence. VCF-style (leftmost placement, unchanged base first): chr12-110913225-TC-T. GRCh37 (hg19) VCF-style: chr12-111351029-TC-T.
Other names: c.353+20delG (NM_000432.3).
Identifiers: ClinVar variation 31772 (VCV000031772.24), dbSNP rs3833910, ClinGen allele CA010148.
Genomic context (GRCh38, chr12:110,913,225, plus strand): 5'-GTGTTGGTGTCAGTTGTGTGTGTGTAGGGGGGACAGGGGGCAAGCAGGGAACCCCCTTCC[TC>T]CCCCACAGACCCCACTCACTAATCAGCCTTCAGCACCCCTTTGCCTTCAGGGTCAAACAC-3'